The following is an entry in ClinVar:

NM_001042413.2(GLIS3):c.2302G>A (p.Ala768Thr)

Gene: GLIS3 (GLIS family zinc finger 3; minus strand). Cytogenetic location: 9p24.2.
Variant type: single nucleotide variant.
Coding change: c.2302G>A on transcript NM_001042413.2 (MANE Select); coding-DNA position 2302, G replaced by A.
Protein change: p.Ala768Thr; replaces alanine 768 with threonine.
Molecular consequence: missense variant.
Genome position (GRCh38, 1-based): chr9:3,856,180, C>T on the plus strand (G>A on the coding strand, the complement: GLIS3 is on the minus strand). VCF-style: chr9-3856180-C-T. GRCh37 (hg19) VCF-style: chr9-3856180-C-T.
Other names: c.1837G>A, p.Ala613Thr (NM_152629.4); short protein forms A613T, A768T.
Identifiers: ClinVar variation 1309287 (VCV001309287.2), dbSNP rs1274042268, ClinGen allele CA372805590.
Genomic context (GRCh38, chr9:3,856,180, plus strand): 5'-TTGAAGAAGGAGCTGGAACTCTCCGGGGGCTGATGTGGTGAGGAGATGGAGCAGAAGGTG[C>T]AAACCTGAGAAAACAATTATAAAAGGAAACATGAGGGACATAAAACAGCAGGAACAAAGA-3'
Protein context (NP_001035878.1, residues 758-778): TAVDAGAERF[Ala768Thr]PSAPSPHHIS

ClinVar aggregate classification (germline): Uncertain significance (1 of 4 stars; one submission).

Allele frequency attached by ClinVar (database versions not stated): gnomAD exomes below 0.00001 and 0.00001.
gnomAD v4.1: 11 of 1,613,484 alleles (0.00068%); highest among the groups gnomAD compares: Non-Finnish European, 0.00093%; no homozygotes.

Submission:

GeneDx
Classification: Uncertain significance. Last evaluated: 2019-10-22. Review status: criteria provided, single submitter. Criteria: GeneDx Variant Classification Process June 2021. Collection method: clinical testing. Allele origin: germline. Affected: yes.
Comment: Not observed at a significant frequency in large population cohorts (Lek et al., 2016); In silico analysis, which includes protein predictors and evolutionary conservation, supports that this variant does not alter protein structure/function; Has not been previously published as pathogenic or benign to our knowledge